The following is an entry in ClinVar:

ClinVar aggregate classification (germline): Uncertain significance. Review status: criteria provided, multiple submitters, no conflicts (2 of 4 stars). 2 submissions from 2 submitters: Uncertain significance (2). Last evaluated 2025-08-05.

Conditions:
Hereditary cancer-predisposing syndrome. Also called: Hereditary neoplastic syndrome; Hereditary Cancer Syndrome; Tumor predisposition; Neoplastic Syndromes, Hereditary. Identifiers: Orphanet 140162, MedGen C0027672, MeSH D009386, MONDO:0015356.

Allele frequency attached by ClinVar (database versions not stated): gnomAD 0.00001.
gnomAD v4.1: 5 of 1,613,742 alleles (0.00031%); highest among the groups gnomAD compares: South Asian, 0.0011%; no homozygotes.

Submissions (2):

Ambry Genetics
Classification: Uncertain significance for Hereditary cancer-predisposing syndrome. Last evaluated: 2025-08-05. Review status: criteria provided, single submitter. Criteria: Ambry Variant Classification Scheme 2023. Collection method: clinical testing. Allele origin: germline.
Comment: The p.I1905V variant (also known as c.5713A>G), located in coding exon 42 of the POLE gene, results from an A to G substitution at nucleotide position 5713. The isoleucine at codon 1905 is replaced by valine, an amino acid with highly similar properties. This amino acid position is well conserved in available vertebrate species. In addition, this alteration is predicted to be tolerated by in silico analysis. Based on the available evidence, the clinical significance of this variant remains unclear.

Labcorp Genetics (formerly Invitae), Labcorp
Classification: Uncertain significance. Last evaluated: 2021-04-21. Review status: criteria provided, single submitter. Criteria: Invitae Variant Classification Sherloc (09022015). Collection method: clinical testing. Allele origin: germline.
Comment: In summary, the available evidence is currently insufficient to determine the role of this variant in disease. Therefore, it has been classified as a Variant of Uncertain Significance. This sequence change replaces isoleucine with valine at codon 1905 of the POLE protein (p.Ile1905Val). The isoleucine residue is highly conserved and there is a small physicochemical difference between isoleucine and valine. This variant is not present in population databases (ExAC no frequency). This variant has not been reported in the literature in individuals with POLE-related conditions. Algorithms developed to predict the effect of missense changes on protein structure and function (SIFT, PolyPhen-2, Align-GVGD) all suggest that this variant is likely to be tolerated, but these predictions have not been confirmed by published functional studies and their clinical significance is uncertain. Algorithms developed to predict the effect of sequence changes on RNA splicing suggest that this variant may create or strengthen a splice site, but this prediction has not been confirmed by published transcriptional studies.

NM_006231.4(POLE):c.5713A>G (p.Ile1905Val)

Gene: POLE (DNA polymerase epsilon, catalytic subunit; minus strand). Cytogenetic location: 12q24.33.
Variant type: single nucleotide variant.
Coding change: c.5713A>G on transcript NM_006231.4 (MANE Select); coding-DNA position 5713, A replaced by G.
Protein change: p.Ile1905Val; replaces isoleucine 1905 with valine.
Molecular consequence: missense variant.
Genome position (GRCh38, 1-based): chr12:132,635,990, T>C on the plus strand (A>G on the coding strand, the complement: POLE is on the minus strand). VCF-style: chr12-132635990-T-C. GRCh37 (hg19) VCF-style: chr12-133212576-T-C.
Other names: c.5713A>G (NM_006231.2); short protein forms I1905V.
Identifiers: ClinVar variation 1518785 (VCV001518785.9), dbSNP rs1300166843, ClinGen allele CA387373189.